The following is an entry in ClinVar:

ClinVar aggregate classification (germline): Likely benign (1 of 4 stars; one submission).

Allele frequency attached by ClinVar (database versions not stated): 1000 Genomes Project 0.00080; 1000 Genomes Project 30x 0.00141; TOPMed 0.00299; gnomAD 0.00418 and 0.00425.
gnomAD v4.1: 630 of 152,214 alleles (0.41%); highest among the groups gnomAD compares: Non-Finnish European, 0.56%; 1 homozygote.

Submission:

CeGaT Center for Human Genetics Tuebingen
Classification: Likely benign. Last evaluated: 2023-04-01. Review status: criteria provided, single submitter. Criteria: CeGaT Center For Human Genetics Tuebingen Variant Classification Criteria Version 2. Collection method: clinical testing. Allele origin: germline. Affected: yes. Observed: 10 variant alleles.
Comment: AKT3: BS1

NM_005465.7(AKT3):c.820-466G>C

Gene: AKT3 (AKT serine/threonine kinase 3; minus strand). Cytogenetic location: 1q44.
Variant type: single nucleotide variant.
Coding change: c.820-466G>C on transcript NM_005465.7 (MANE Select); 466 bases into the intron before coding-DNA position 820, G replaced by C.
Molecular consequence: intron variant.
Genome position (GRCh38, 1-based): chr1:243,564,314, C>G on the plus strand (G>C on the coding strand, the complement: AKT3 is on the minus strand). VCF-style: chr1-243564314-C-G. GRCh37 (hg19) VCF-style: chr1-243727616-C-G.
Other names: c.820-466G>C (NM_181690.2, NM_001370074.1, NM_001206729.2).
Identifiers: ClinVar variation 1694552 (VCV001694552.31), dbSNP rs189417920, ClinGen allele CA41024898.